The following is an entry in ClinVar:

ClinVar aggregate classification (germline): Uncertain significance (1 of 4 stars; one submission).

Conditions:
Congenital dyserythropoietic anemia, type II (CDAN2). Also called: DYSERYTHROPOIETIC ANEMIA, HEMPAS TYPE. Identifiers: Orphanet 98873, MedGen C1306589, MONDO:0009134, OMIM 224100.

Submission:

Baylor Genetics
Classification: Uncertain significance for Congenital dyserythropoietic anemia, type II. Last evaluated: 2019-12-16. Review status: criteria provided, single submitter. Criteria: ACMG Guidelines, 2015. Collection method: clinical testing. Allele origin: unknown. Affected: yes.
Comment: This variant was determined to be of uncertain significance according to ACMG Guidelines, 2015 [PMID:25741868].

NM_006363.6(SEC23B):c.-14-1G>A

Gene: SEC23B (SEC23 homolog B, COPII component; plus strand). Cytogenetic location: 20p11.23.
Variant type: single nucleotide variant.
Coding change: c.-14-1G>A on transcript NM_006363.6 (MANE Select); the canonical splice acceptor site of the intron before 14 bases upstream of the start codon, G replaced by A.
Molecular consequence: splice acceptor variant.
Genome position (GRCh38, 1-based): chr20:18,510,821, G>A. VCF-style: chr20-18510821-G-A. GRCh37 (hg19) VCF-style: chr20-18491465-G-A.
Other names: c.-14-1G>A (NM_032986.5, NM_001172745.3, NM_032985.6 and 1 more transcripts).
Identifiers: ClinVar variation 1030101 (VCV001030101.1), dbSNP rs967988810, ClinGen allele CA312389117.